The following is an entry in ClinVar:

ClinVar aggregate classification (germline): Uncertain significance (1 of 4 stars; one submission).

Submission:

Labcorp Genetics (formerly Invitae), Labcorp
Classification: Uncertain significance. Last evaluated: 2025-05-05. Review status: criteria provided, single submitter. Criteria: Invitae Variant Classification Sherloc (09022015). Collection method: clinical testing. Allele origin: germline.
Comment: This sequence change creates a premature translational stop signal (p.Gln742Glufs*13) in the KCNH1 gene. While this is not anticipated to result in nonsense mediated decay, it is expected to disrupt the last 248 amino acid(s) of the KCNH1 protein. This variant is not present in population databases (gnomAD no frequency). This variant has not been reported in the literature in individuals affected with KCNH1-related conditions. Experimental studies and prediction algorithms are not available or were not evaluated, and the functional significance of this variant is currently unknown. In summary, the available evidence is currently insufficient to determine the role of this variant in disease. Therefore, it has been classified as a Variant of Uncertain Significance.

NM_172362.3(KCNH1):c.2224_2225del (p.Gln742fs)

Gene: KCNH1 (potassium voltage-gated channel subfamily H member 1; minus strand). Cytogenetic location: 1q32.2.
Variant type: Deletion.
Coding change: c.2224_2225del on transcript NM_172362.3 (MANE Select); coding-DNA positions 2224 to 2225, 2 bases deleted (CA; older notation c.2224_2225delCA).
Protein change: p.Gln742fs; shifts the reading frame from glutamine 742.
Molecular consequence: frameshift variant.
Genome position (GRCh38, 1-based): chr1:210,684,026-210,684,027, TG deleted on the plus strand (CA on the coding strand, the reverse complement: KCNH1 is on the minus strand). VCF-style (leftmost placement, unchanged base first): chr1-210684025-CTG-C. GRCh37 (hg19) VCF-style: chr1-210857367-CTG-C.
Other names: c.2143_2144del, p.Gln715fs (NM_002238.4); short protein forms Q742fs, Q715fs.
Identifiers: ClinVar variation 4718961 (VCV004718961.1).